The following is an entry in ClinVar:

ClinVar aggregate classification (germline): Likely benign (1 of 4 stars; one submission).

Submission:

Molecular Diagnostic Laboratory for Inherited Cardiovascular Disease, Montreal Heart Institute
Classification: Likely benign. Last evaluated: 2026-03-27. Review status: criteria provided, single submitter. Criteria: ACMG Guidelines, 2015. Collection method: clinical testing. Allele origin: germline. Affected: no.
Comment: BP1

NM_001267550.2(TTN):c.6671C>T (p.Ser2224Phe)

Gene: TTN (titin; minus strand). Cytogenetic location: 2q31.2.
Variant type: single nucleotide variant.
Coding change: c.6671C>T on transcript NM_001267550.2 (MANE Select); coding-DNA position 6671, C replaced by T.
Protein change: p.Ser2224Phe; replaces serine 2224 with phenylalanine.
Molecular consequence: missense variant.
Genome position (GRCh38, 1-based): chr2:178,775,040, G>A on the plus strand (C>T on the coding strand, the complement: TTN is on the minus strand). VCF-style: chr2-178775040-G-A. GRCh37 (hg19) VCF-style: chr2-179639767-G-A.
Other names: c.6671C>T, p.Ser2224Phe (NM_001256850.1, NM_133378.4, NM_133379.5); c.6533C>T, p.Ser2178Phe (NM_003319.4, NM_133432.3, NM_133437.4); short protein forms S2178F, S2224F.
Identifiers: ClinVar variation 4820510 (VCV004820510.1).